The following is an entry in ClinVar:

ClinVar aggregate classification (germline): Pathogenic (1 of 4 stars; one submission).

Conditions:
Primary ciliary dyskinesia 3. Identifiers: Orphanet 244, MedGen C1837618, MONDO:0012085, OMIM 608644.

Submission:

Myriad Genetics, Inc.
Classification: Pathogenic for Primary ciliary dyskinesia 3. Last evaluated: 2024-05-14. Review status: criteria provided, single submitter. Criteria: Myriad Autosomal Dominant, Autosomal Recessive and X-Linked Classification Criteria (2023). Collection method: clinical testing. Allele origin: unknown.
Comment: NM_001369.2(DNAH5):c.966dupA(L323Tfs*14) is expected to be pathogenic in the context of primary ciliary dyskinesia, DNAH5-related. This variant is predicted to lead to an abnormal or absent protein product due to the creation of a premature termination codon in DNAH5, a gene where loss-of-function variants are known to be pathogenic. Please note: this variant was assessed in the context of healthy population screening.

NM_001369.3(DNAH5):c.966dup (p.Leu323fs)

Gene: DNAH5 (dynein axonemal heavy chain 5; minus strand). Cytogenetic location: 5p15.2.
Variant type: Duplication.
Coding change: c.966dup on transcript NM_001369.3 (MANE Select); coding-DNA position 966, one base duplicated (A; older notation c.966dupA).
Protein change: p.Leu323fs; shifts the reading frame from leucine 323.
Molecular consequence: frameshift variant.
Genome position (GRCh38, 1-based): chr5:13,919,185, T duplicated on the plus strand (A on the coding strand, the reverse complement: DNAH5 is on the minus strand); the first of 3 consecutive T bases (chr5:13,919,185-13,919,187); duplicating any one gives the same sequence. VCF-style (leftmost placement, unchanged base first): chr5-13919184-G-GT. GRCh37 (hg19) VCF-style: chr5-13919293-G-GT.
Other names: short protein forms L323fs.
Identifiers: ClinVar variation 5010781 (VCV005010781.1).